The following is an entry in ClinVar:

NM_198428.3(BBS9):c.1260C>A (p.Asn420Lys)

Gene: BBS9 (Bardet-Biedl syndrome 9; plus strand). Cytogenetic location: 7p14.3.
Variant type: single nucleotide variant.
Coding change: c.1260C>A on transcript NM_198428.3 (MANE Select); coding-DNA position 1260, C replaced by A.
Protein change: p.Asn420Lys; replaces asparagine 420 with lysine.
Molecular consequence: missense variant. On other transcripts: non-coding transcript variant (3).
Genome position (GRCh38, 1-based): chr7:33,340,958, C>A. VCF-style: chr7-33340958-C-A. GRCh37 (hg19) VCF-style: chr7-33380570-C-A.
Other names: c.1260C>A, p.Asn420Lys (NM_001033604.2, NM_001033605.2, NM_001348036.1 and 5 more transcripts); c.894C>A, p.Asn298Lys (NM_001348037.3, NM_001348044.3, NM_001348045.3 and 1 more transcripts); c.987C>A, p.Asn329Lys (NM_001348038.3, NM_001348039.3); c.1125C>A, p.Asn375Lys (NM_001348042.3); short protein forms N298K, N329K, N375K, N420K.
Identifiers: ClinVar variation 3345943 (VCV003345943.1).

ClinVar aggregate classification (germline): Uncertain significance (0 of 4 stars; one submission).

Conditions:
BBS9-related disorder. Also called: BBS9-related condition.

Submission:

PreventionGenetics, part of Exact Sciences
Classification: Uncertain significance for BBS9-related condition. Last evaluated: 2024-08-24. Review status: no assertion criteria provided. Collection method: clinical testing. Allele origin: germline.
Comment: The BBS9 c.1260C>A variant is predicted to result in the amino acid substitution p.Asn420Lys. To our knowledge, this variant has not been reported in the literature or in a large population database, indicating this variant is rare. At this time, the clinical significance of this variant is uncertain due to the absence of conclusive functional and genetic evidence.